The following is an entry in ClinVar:

NM_000212.3(ITGB3):c.614+5G>C

Gene: ITGB3 (integrin subunit beta 3; plus strand). Cytogenetic location: 17q21.32.
Variant type: single nucleotide variant.
Coding change: c.614+5G>C on transcript NM_000212.3 (MANE Select); 5 bases into the intron after coding-DNA position 614, G replaced by C.
Molecular consequence: intron variant.
Genome position (GRCh38, 1-based): chr17:47,284,700, G>C. VCF-style: chr17-47284700-G-C. GRCh37 (hg19) VCF-style: chr17-45362066-G-C.
Identifiers: ClinVar variation 1062941 (VCV001062941.6), dbSNP rs2143093362, ClinGen allele CA2499224678.

ClinVar aggregate classification (germline): Uncertain significance (1 of 4 stars; one submission).

Allele frequency attached by ClinVar (database versions not stated): gnomAD exomes 0.00001.
gnomAD v4.1: 8 of 1,614,176 alleles (0.0005%); highest among the groups gnomAD compares: Non-Finnish European, 0.00068%; no homozygotes.

Submission:

Labcorp Genetics (formerly Invitae), Labcorp
Classification: Uncertain significance. Last evaluated: 2024-06-13. Review status: criteria provided, single submitter. Criteria: Invitae Variant Classification Sherloc (09022015). Collection method: clinical testing. Allele origin: germline.
Comment: This sequence change falls in intron 4 of the ITGB3 gene. It does not directly change the encoded amino acid sequence of the ITGB3 protein. It affects a nucleotide within the consensus splice site. This variant is not present in population databases (gnomAD no frequency). This variant has not been reported in the literature in individuals affected with ITGB3-related conditions. ClinVar contains an entry for this variant (Variation ID: 1062941). Variants that disrupt the consensus splice site are a relatively common cause of aberrant splicing (PMID: 17576681, 9536098). Algorithms developed to predict the effect of sequence changes on RNA splicing suggest that this variant may disrupt the consensus splice site. In summary, the available evidence is currently insufficient to determine the role of this variant in disease. Therefore, it has been classified as a Variant of Uncertain Significance.

Literature cited by the submitters: PubMed 17576681; PubMed 9536098.